The following is an entry in ClinVar:

NC_000016.10:g.(?_89737551)_(89784965_89791402)del

Genes: FANCA (FA complementation group A; minus strand), ZNF276 (zinc finger protein 276; plus strand). Cytogenetic location: 16q24.3.
Variant type: Deletion.
Identifiers: ClinVar variation 974121 (VCV000974121.1).

ClinVar aggregate classification (germline): Pathogenic (0 of 4 stars; one submission).

Conditions:
Fanconi anemia complementation group A (FANCA). Also called: Fanconi anemia, group A; FANCA-Related Fanconi Anemia. Identifiers: Orphanet 84, MedGen C3469521, MONDO:0009215, OMIM 227650.

Submission:

Leiden Open Variation Database
Classification: Pathogenic for Fanconi anemia complementation group A. Last evaluated: 2020-02-28. Review status: no assertion criteria provided. Collection method: curation. Allele origin: germline. Affected: yes.
Comment: Curator: Arleen D. Auerbach. Submitter to LOVD: Arleen D. Auerbach.

Literature cited by the submitters: PubMed 21273304.